The following is an entry in ClinVar:

ClinVar aggregate classification (germline): Uncertain significance (1 of 4 stars; one submission).

Allele frequency attached by ClinVar (database versions not stated): ExAC 0.00007; gnomAD exomes 0.00008 and 0.00010; gnomAD 0.00009 and 0.00010; TOPMed 0.00012; ESP Exome Variant Server 0.00023.
gnomAD v4.1: 137 of 1,610,356 alleles (0.0085%); highest among the groups gnomAD compares: Non-Finnish European, 0.009%; no homozygotes.

Submission:

Labcorp Genetics (formerly Invitae), Labcorp
Classification: Uncertain significance. Last evaluated: 2021-11-12. Review status: criteria provided, single submitter. Criteria: Invitae Variant Classification Sherloc (09022015). Collection method: clinical testing. Allele origin: germline.
Comment: This variant has not been reported in the literature in individuals affected with H6PD-related conditions. In summary, the available evidence is currently insufficient to determine the role of this variant in disease. Therefore, it has been classified as a Variant of Uncertain Significance. Algorithms developed to predict the effect of missense changes on protein structure and function (SIFT, PolyPhen-2, Align-GVGD) all suggest that this variant is likely to be disruptive. This variant is present in population databases (rs149313646, gnomAD 0.01%). This sequence change replaces alanine, which is neutral and non-polar, with threonine, which is neutral and polar, at codon 575 of the H6PD protein (p.Ala575Thr).

NM_004285.4(H6PD):c.1723G>A (p.Ala575Thr)

Gene: H6PD (hexose-6-phosphate dehydrogenase/glucose 1-dehydrogenase; plus strand). Cytogenetic location: 1p36.22.
Variant type: single nucleotide variant.
Coding change: c.1723G>A on transcript NM_004285.4 (MANE Select); coding-DNA position 1723, G replaced by A.
Protein change: p.Ala575Thr; replaces alanine 575 with threonine.
Molecular consequence: missense variant.
Genome position (GRCh38, 1-based): chr1:9,264,216, G>A. VCF-style: chr1-9264216-G-A. GRCh37 (hg19) VCF-style: chr1-9324275-G-A.
Other names: c.1756G>A, p.Ala586Thr (NM_001282587.2); short protein forms A575T, A586T.
Identifiers: ClinVar variation 1509171 (VCV001509171.6), dbSNP rs149313646, ClinGen allele CA575392.